The following is an entry in ClinVar:

NM_178822.5(IGSF10):c.7259T>C (p.Ile2420Thr)

Gene: IGSF10 (immunoglobulin superfamily member 10; minus strand). Cytogenetic location: 3q25.1.
Variant type: single nucleotide variant.
Coding change: c.7259T>C on transcript NM_178822.5 (MANE Select); coding-DNA position 7259, T replaced by C.
Protein change: p.Ile2420Thr; replaces isoleucine 2420 with threonine.
Molecular consequence: missense variant.
Genome position (GRCh38, 1-based): chr3:151,437,302, A>G on the plus strand (T>C on the coding strand, the complement: IGSF10 is on the minus strand). VCF-style: chr3-151437302-A-G. GRCh37 (hg19) VCF-style: chr3-151155090-A-G.
Other names: c.1196T>C, p.Ile399Thr (NM_001178145.3, NM_001178146.3); c.7259T>C, p.Ile2420Thr (NM_001385060.1, NM_001385061.1, NM_001385062.1 and 1 more transcripts); short protein forms I2420T, I399T.
Identifiers: ClinVar variation 3528296 (VCV003528296.3).
Genomic context (GRCh38, chr3:151,437,302, plus strand): 5'-CCTGGTGCATAGGTAAGAATAACTGGCTTCTGGCCAATTTCTAATATGACTAATTTCTCA[A>G]TATAGCCAACTTTATTCCTAGCTGCACAGCGATATTTTCCTGCATCCTCCCGAGTTGTTT-3'
Protein context (NP_849144.2, residues 2410-2430): RCAARNKVGY[Ile2420Thr]EKLVILEIGQ

ClinVar aggregate classification (germline): Uncertain significance. Review status: criteria provided, multiple submitters, no conflicts (2 of 4 stars). 2 submissions from 2 submitters: Uncertain significance (2). Last evaluated 2025-01-22.

gnomAD v4.1: 271 of 1,614,078 alleles (0.017%); highest among the groups gnomAD compares: Middle Eastern, 0.016%; no homozygotes.

Submissions (2):

Labcorp Genetics (formerly Invitae), Labcorp
Classification: Uncertain significance. Last evaluated: 2025-01-22. Review status: criteria provided, single submitter. Criteria: Invitae Variant Classification Sherloc (09022015). Collection method: clinical testing. Allele origin: germline.
Comment: This sequence change replaces isoleucine, which is neutral and non-polar, with threonine, which is neutral and polar, at codon 2420 of the IGSF10 protein (p.Ile2420Thr). This variant is present in population databases (rs145036931, gnomAD 0.1%), and has an allele count higher than expected for a pathogenic variant. This variant has not been reported in the literature in individuals affected with IGSF10-related conditions. An algorithm developed to predict the effect of missense changes on protein structure and function (PolyPhen-2) suggests that this variant is likely to be disruptive. In summary, the available evidence is currently insufficient to determine the role of this variant in disease. Therefore, it has been classified as a Variant of Uncertain Significance.

Ambry Genetics
Classification: Uncertain significance. Last evaluated: 2024-08-05. Review status: criteria provided, single submitter. Criteria: Ambry Variant Classification Scheme 2023. Collection method: clinical testing. Allele origin: germline.